The following is an entry in ClinVar:

NM_001378743.1(CYLD):c.1760T>C (p.Met587Thr)

Gene: CYLD (CYLD lysine 63 deubiquitinase; plus strand). Cytogenetic location: 16q12.1.
Variant type: single nucleotide variant.
Coding change: c.1760T>C on transcript NM_001378743.1 (MANE Select); coding-DNA position 1760, T replaced by C.
Protein change: p.Met587Thr; replaces methionine 587 with threonine.
Molecular consequence: missense variant. On other transcripts: non-coding transcript variant (1).
Genome position (GRCh38, 1-based): chr16:50,782,400, T>C. VCF-style: chr16-50782400-T-C. GRCh37 (hg19) VCF-style: chr16-50816311-T-C.
Other names: c.1751T>C, p.Met584Thr (NM_001042355.2, NM_001042412.3, NM_001378744.1 and 6 more transcripts); c.1721T>C, p.Met574Thr (NM_001378751.1, NM_001378752.1, NM_001378753.1); c.1085T>C, p.Met362Thr (NM_001378754.1, NM_001378755.1); c.1760T>C, p.Met587Thr (NM_015247.3); short protein forms M584T, M587T, M362T, M574T.
Identifiers: ClinVar variation 3657043 (VCV003657043.2).
Genomic context (GRCh38, chr16:50,782,400, plus strand): 5'-TAAGTGAAGTAGTAGAAGAAAATACTCCACCAAAAATGGAAAAAGAAGGCTTGGAGATAA[T>C]GATTGGGAAGAAGAAAGGCATCCAGGGTCATTACAATTCTTGTTACTTAGACTCAACCTT-3'
Protein context (NP_001365672.1, residues 577-597): PKMEKEGLEI[Met587Thr]IGKKKGIQGH

ClinVar aggregate classification (germline): Uncertain significance (1 of 4 stars; one submission).

Submission:

Labcorp Genetics (formerly Invitae), Labcorp
Classification: Uncertain significance. Last evaluated: 2024-06-19. Review status: criteria provided, single submitter. Criteria: Invitae Variant Classification Sherloc (09022015). Collection method: clinical testing. Allele origin: germline.
Comment: This sequence change replaces methionine, which is neutral and non-polar, with threonine, which is neutral and polar, at codon 587 of the CYLD protein (p.Met587Thr). This variant is not present in population databases (gnomAD no frequency). This variant has not been reported in the literature in individuals affected with CYLD-related conditions. Advanced modeling of protein sequence and biophysical properties (such as structural, functional, and spatial information, amino acid conservation, physicochemical variation, residue mobility, and thermodynamic stability) has been performed at Invitae for this missense variant, however the output from this modeling did not meet the statistical confidence thresholds required to predict the impact of this variant on CYLD protein function. In summary, the available evidence is currently insufficient to determine the role of this variant in disease. Therefore, it has been classified as a Variant of Uncertain Significance.